The following is an entry in ClinVar:

NM_006231.4(POLE):c.6154C>A (p.Gln2052Lys)

Gene: POLE (DNA polymerase epsilon, catalytic subunit; minus strand). Cytogenetic location: 12q24.33.
Variant type: single nucleotide variant.
Coding change: c.6154C>A on transcript NM_006231.4 (MANE Select); coding-DNA position 6154, C replaced by A.
Protein change: p.Gln2052Lys; replaces glutamine 2052 with lysine.
Molecular consequence: missense variant.
Genome position (GRCh38, 1-based): chr12:132,632,491, G>T on the plus strand (C>A on the coding strand, the complement: POLE is on the minus strand). VCF-style: chr12-132632491-G-T. GRCh37 (hg19) VCF-style: chr12-133209077-G-T.
Other names: short protein forms Q2052K.
Identifiers: ClinVar variation 1751896 (VCV001751896.4), dbSNP rs2041953300, ClinGen allele CA387370012.

ClinVar aggregate classification (germline): Uncertain significance. Review status: criteria provided, multiple submitters, no conflicts (2 of 4 stars). 2 submissions from 2 submitters: Uncertain significance (2). Last evaluated 2025-10-07.

Conditions:
Hereditary cancer-predisposing syndrome. Also called: Hereditary Cancer Syndrome; Hereditary neoplastic syndrome; Neoplastic Syndromes, Hereditary; Tumor predisposition. Identifiers: Orphanet 140162, MedGen C0027672, MeSH D009386, MONDO:0015356.

Submissions (2):

Labcorp Genetics (formerly Invitae), Labcorp
Classification: Uncertain significance. Last evaluated: 2025-10-07. Review status: criteria provided, single submitter. Criteria: Invitae Variant Classification Sherloc (09022015). Collection method: clinical testing. Allele origin: germline.
Comment: This sequence change replaces glutamine, which is neutral and polar, with lysine, which is basic and polar, at codon 2052 of the POLE protein (p.Gln2052Lys). This variant is not present in population databases (gnomAD no frequency). This variant has not been reported in the literature in individuals affected with POLE-related conditions. ClinVar contains an entry for this variant (Variation ID: 1751896). Invitae Evidence Modeling of protein sequence and biophysical properties (such as structural, functional, and spatial information, amino acid conservation, physicochemical variation, residue mobility, and thermodynamic stability) indicates that this missense variant is not expected to disrupt POLE protein function with a negative predictive value of 80%. In summary, the available evidence is currently insufficient to determine the role of this variant in disease. Therefore, it has been classified as a Variant of Uncertain Significance.

Ambry Genetics
Classification: Uncertain significance for Hereditary cancer-predisposing syndrome. Last evaluated: 2022-04-19. Review status: criteria provided, single submitter. Criteria: Ambry Variant Classification Scheme 2023. Collection method: clinical testing. Allele origin: germline.
Comment: The p.Q2052K variant (also known as c.6154C>A), located in coding exon 45 of the POLE gene, results from a C to A substitution at nucleotide position 6154. The glutamine at codon 2052 is replaced by lysine, an amino acid with similar properties. This amino acid position is conserved. In addition, the in silico prediction for this alteration is inconclusive. Since supporting evidence is limited at this time, the clinical significance of this alteration remains unclear.